The following is an entry in ClinVar:

NM_001970.5(EIF5A):c.124G>A (p.Glu42Lys)

Gene: EIF5A (eukaryotic translation initiation factor 5A; plus strand). Cytogenetic location: 17p13.1.
Variant type: single nucleotide variant.
Coding change: c.124G>A on transcript NM_001970.5 (MANE Select); coding-DNA position 124, G replaced by A.
Protein change: p.Glu42Lys; replaces glutamic acid 42 with lysine.
Molecular consequence: missense variant.
Genome position (GRCh38, 1-based): chr17:7,309,759, G>A. VCF-style: chr17-7309759-G-A. GRCh37 (hg19) VCF-style: chr17-7213078-G-A.
Other names: c.214G>A, p.Glu72Lys (NM_001143760.1); c.124G>A, p.Glu42Lys (NM_001143761.1, NM_001143762.2, NM_001370420.1 and 1 more transcripts); short protein forms E42K, E72K.
Identifiers: ClinVar variation 1695672 (VCV001695672.3), dbSNP rs2143008747, ClinGen allele CA397774733.

ClinVar aggregate classification (germline): Likely pathogenic (1 of 4 stars; one submission).

Submission:

GeneDx
Classification: Likely pathogenic. Last evaluated: 2024-09-20. Review status: criteria provided, single submitter. Criteria: GeneDx Variant Classification Process June 2021. Collection method: clinical testing. Allele origin: germline. Affected: yes.
Comment: Has not been previously published as pathogenic or benign to our knowledge; In silico analysis supports that this missense variant has a deleterious effect on protein structure/function; Not observed at significant frequency in large population cohorts (gnomAD)